The following is an entry in ClinVar:

NM_005573.4(LMNB1):c.97A>G (p.Lys33Glu)

Gene: LMNB1 (lamin B1; plus strand). Cytogenetic location: 5q23.2.
Variant type: single nucleotide variant.
Coding change: c.97A>G on transcript NM_005573.4 (MANE Select); coding-DNA position 97, A replaced by G.
Protein change: p.Lys33Glu; replaces lysine 33 with glutamic acid.
Molecular consequence: missense variant. On other transcripts: non-coding transcript variant (1), intron variant (1).
Genome position (GRCh38, 1-based): chr5:126,777,605, A>G. VCF-style: chr5-126777605-A-G. GRCh37 (hg19) VCF-style: chr5-126113297-A-G.
Other names: c.-272+361A>G (NM_001198557.2); short protein forms K33E.
Identifiers: ClinVar variation 915455 (VCV000915455.10), dbSNP rs1750497172, ClinGen allele CA360724455.
Genomic context (GRCh38, chr5:126,777,605, plus strand): 5'-AGCCGCGCTGGCGGCCCCACCACGCCGCTGAGCCCCACGCGCCTGTCGCGGCTCCAGGAG[A>G]AGGAGGAGCTGCGCGAGCTCAATGACCGGCTGGCGGTGTACATCGACAAGGTGCGCAGCC-3'
Protein context (NP_005564.1, residues 23-43): SPTRLSRLQE[Lys33Glu]EELRELNDRL

ClinVar aggregate classification (germline): Pathogenic. Review status: criteria provided, multiple submitters, no conflicts (2 of 4 stars). 7 submissions from 7 submitters: Pathogenic (5). 2 of the submissions do not count toward it. Last evaluated 2026-07-01.

Conditions:
Microcephaly 26, primary, autosomal dominant. Identifiers: MedGen C5543048, MONDO:0030928, OMIM 619179.
Syndrome with microcephaly as major feature. Identifiers: Orphanet 269528, MedGen C5680774, MONDO:0017119.
Inborn genetic diseases. Identifiers: MedGen C0950123, MeSH D030342.

Submissions (7):

Kasturba Medical College, Manipal, Kasturba Medical College, Manipal, Manipal Academy of Higher Education, Manipal, India
Classification: Pathogenic for Microcephaly 26, primary, autosomal dominant. Last evaluated: 2026-07-01. Review status: criteria provided, single submitter. Criteria: ACMG Guidelines, 2015. Collection method: research. Allele origin: de novo. Affected: yes. Observed: 1 variant allele, 1 heterozygote.
Comment: This variant is not observed in the gnomAD (v4.1.0) population database and our in-house database of 3822 individuals. In silico prediction tools (CADD phred, REVEL) are consistent in predicting the variant to be damaging to LMNB1 protein function. Previously performed studies Cristofoli et al. (2020) showed that this variant leads to impaired formation of the LMNB1 nuclear lamina, resulting in decreased nuclear localization of the protein and an increase in misshapen, irregular nuclear structure in LMNB1-null HeLa cells.

Institute of Human Genetics, University of Leipzig Medical Center
Classification: Pathogenic for Microcephaly 26, primary, autosomal dominant. Last evaluated: 2025-05-06. Review status: criteria provided, single submitter. Criteria: ACMG Guidelines, 2015. Collection method: clinical testing. Allele origin: de novo. Inheritance: Autosomal dominant inheritance. Affected: yes.
Comment: Criteria applied: PS2_VSTR,PS3,PS4_MOD,PM2,PP3

3billion
Classification: Pathogenic for Microcephaly 26, primary, autosomal dominant. Last evaluated: 2025-02-19. Review status: criteria provided, single submitter. Criteria: ACMG Guidelines, 2015. Collection method: clinical testing. Allele origin: germline. Affected: yes.
Comment: The variant is not observed in the gnomAD v4.1.0 dataset. Predicted Consequence/Location: Missense variant Functional studies provide strong evidence of the variant having a damaging effect on the gene or gene product (PMID: 32910914). In silico tool predictions suggest damaging effect of the variant on gene or gene product [REVEL: 0.87 (>=0.6, sensitivity 0.68 and specificity 0.92)]. The same nucleotide change resulting in the same amino acid change has been previously reported as pathogenic/likely pathogenic with strong evidence (ClinVar ID: VCV000915455 /PMID: 32910914). The variant has been previously reported as de novo in a similarly affected individual (PMID: 32910914). Therefore, this variant is classified as Pathogenic according to the recommendation of ACMG/AMP guideline.

GeneDx
Classification: Pathogenic. Last evaluated: 2024-10-08. Review status: criteria provided, single submitter. Criteria: GeneDx Variant Classification Process June 2021. Collection method: clinical testing. Allele origin: germline. Affected: yes.
Comment: Published functional studies suggest a damaging effect on formation of the nuclear lamina and nuclear morphology (PMID: 32910914); Not observed at significant frequency in large population cohorts (gnomAD); In silico analysis supports that this missense variant has a deleterious effect on protein structure/function; This variant is associated with the following publications: (PMID: 36672771, 33057194, 35982159, 37044185, 32910914, 33033404)

Ambry Genetics
Classification: Pathogenic for Inborn genetic diseases. Last evaluated: 2022-06-14. Review status: criteria provided, single submitter. Criteria: Ambry Variant Classification Scheme 2023. Collection method: clinical testing. Allele origin: germline.
Comment: The c.97A>G (p.K33E) alteration is located in exon 1 (coding exon 1) of the LMNB1 gene. This alteration results from an A to G substitution at nucleotide position 97, causing the lysine (K) at amino acid position 33 to be replaced by a glutamic acid (E). This variant was not reported in population-based cohorts in the Genome Aggregation Database (gnomAD). This alteration has been reported de novo in multiple unrelated patients with microcephaly, global developmental delay, intellectual disability, and simplified gyri seen on brain MRI (Cristofoli, 2020; Parry, 2021). This amino acid position is highly conserved in available vertebrate species. Functional analysis by Cristofoli, et al. (2020) showed impaired formation of the LMNB1 nuclear lamina and results in a decrease in the nuclear localization of the protein and an increase in misshapen, irregular nuclear structure. The in silico prediction for this alteration is inconclusive. Based on the available evidence, this alteration is classified as pathogenic.

OMIM
Classification: Pathogenic for MICROCEPHALY 26, PRIMARY, AUTOSOMAL DOMINANT. Last evaluated: 2021-02-19. Review status: no assertion criteria provided. Collection method: literature only. Allele origin: germline. Not counted in ClinVar's aggregate classification.

Center for Human Genetics, University of Leuven
Classification: Pathogenic for Syndrome with microcephaly as major feature. Last evaluated: 2020-02-20. Review status: no assertion criteria provided. Collection method: clinical testing. Allele origin: de novo. Inheritance: Autosomal dominant inheritance. Affected: yes. Not counted in ClinVar's aggregate classification.
Comment: We performed segregation analysis, Western blot, and several functional in vitro studies that support a clear pathogenic effect

Literature cited by the submitters: PMC PMC7536573 (cited by Kasturba Medical College, Manipal, Kasturba Medical College, Manipal, Manipal Academy of Higher Education, Manipal, India); PubMed 32910914 (cited by 3 submitters); PubMed 33033404 (cited by Ambry Genetics and OMIM).